The following is an entry in ClinVar:

ClinVar aggregate classification (germline): Uncertain significance (1 of 4 stars; one submission).

gnomAD v4.1: 1 of 1,614,094 alleles (0.000062%); highest among the groups gnomAD compares: South Asian, 0.0011%; no homozygotes.

Submission:

GeneDx
Classification: Uncertain significance. Last evaluated: 2022-01-26. Review status: criteria provided, single submitter. Criteria: GeneDx Variant Classification Process June 2021. Collection method: clinical testing. Allele origin: germline. Affected: yes.
Comment: Not observed at significant frequency in large population cohorts (gnomAD); In silico analysis supports that this missense variant has a deleterious effect on protein structure/function; Has not been previously published as pathogenic or benign to our knowledge

NM_006420.3(ARFGEF2):c.3023G>A (p.Gly1008Asp)

Gene: ARFGEF2 (ARF guanine nucleotide exchange factor 2; plus strand). Cytogenetic location: 20q13.13.
Variant type: single nucleotide variant.
Coding change: c.3023G>A on transcript NM_006420.3 (MANE Select); coding-DNA position 3023, G replaced by A.
Protein change: p.Gly1008Asp; replaces glycine 1008 with aspartic acid.
Molecular consequence: missense variant.
Genome position (GRCh38, 1-based): chr20:48,994,500, G>A. VCF-style: chr20-48994500-G-A. GRCh37 (hg19) VCF-style: chr20-47611037-G-A.
Other names: short protein forms G1008D.
Identifiers: ClinVar variation 1699779 (VCV001699779.2), dbSNP rs763952872, ClinGen allele CA409310346.